The following is an entry in ClinVar:

NM_173354.5(SIK1):c.769C>T (p.Arg257Cys)

Gene: SIK1 (salt inducible kinase 1; minus strand). Cytogenetic location: 21q22.3.
Variant type: single nucleotide variant.
Coding change: c.769C>T on transcript NM_173354.5 (MANE Select); coding-DNA position 769, C replaced by T.
Protein change: p.Arg257Cys; replaces arginine 257 with cysteine.
Molecular consequence: missense variant.
Genome position (GRCh38, 1-based): chr21:43,420,437, G>A on the plus strand (C>T on the coding strand, the complement: SIK1 is on the minus strand). VCF-style: chr21-43420437-G-A. GRCh37 (hg19) VCF-style: chr21-44840317-G-A.
Other names: c.769C>T (NM_173354.3); short protein forms R257C.
Identifiers: ClinVar variation 1026151 (VCV001026151.8), dbSNP rs778169446, ClinGen allele CA321326974.

ClinVar aggregate classification (germline): Uncertain significance. Review status: criteria provided, multiple submitters, no conflicts (2 of 4 stars). 2 submissions from 2 submitters: Uncertain significance (2). Last evaluated 2025-01-24.

Conditions:
Inborn genetic diseases. Identifiers: MedGen C0950123, MeSH D030342.
Developmental and epileptic encephalopathy, 30 (DEE30). Also called: Epileptic encephalopathy, early infantile, 30. Identifiers: MedGen C4225360, MONDO:0014595, OMIM 616341.

Allele frequency attached by ClinVar (database versions not stated): ExAC 0.00002.

Submissions (2):

Ambry Genetics
Classification: Uncertain significance for Inborn genetic diseases. Last evaluated: 2025-01-24. Review status: criteria provided, single submitter. Criteria: Ambry Variant Classification Scheme 2023. Collection method: clinical testing. Allele origin: germline.

Labcorp Genetics (formerly Invitae), Labcorp
Classification: Uncertain significance for Developmental and epileptic encephalopathy, 30. Last evaluated: 2024-04-29. Review status: criteria provided, single submitter. Criteria: Invitae Variant Classification Sherloc (09022015). Collection method: clinical testing. Allele origin: germline.
Comment: This sequence change replaces arginine, which is basic and polar, with cysteine, which is neutral and slightly polar, at codon 257 of the SIK1 protein (p.Arg257Cys). The frequency data for this variant in the population databases is considered unreliable, as metrics indicate poor data quality at this position in the gnomAD database. This variant has not been reported in the literature in individuals affected with SIK1-related conditions. ClinVar contains an entry for this variant (Variation ID: 1026151). Advanced modeling of protein sequence and biophysical properties (such as structural, functional, and spatial information, amino acid conservation, physicochemical variation, residue mobility, and thermodynamic stability) performed at Invitae indicates that this missense variant is not expected to disrupt SIK1 protein function with a negative predictive value of 95%. In summary, the available evidence is currently insufficient to determine the role of this variant in disease. Therefore, it has been classified as a Variant of Uncertain Significance.